The following is an entry in ClinVar:

NM_004984.4(KIF5A):c.1151G>A (p.Gly384Glu)

Gene: KIF5A (kinesin family member 5A; plus strand). Cytogenetic location: 12q13.3.
Variant type: single nucleotide variant.
Coding change: c.1151G>A on transcript NM_004984.4 (MANE Select); coding-DNA position 1151, G replaced by A.
Protein change: p.Gly384Glu; replaces glycine 384 with glutamic acid.
Molecular consequence: missense variant.
Genome position (GRCh38, 1-based): chr12:57,570,020, G>A. VCF-style: chr12-57570020-G-A. GRCh37 (hg19) VCF-style: chr12-57963803-G-A.
Other names: c.884G>A, p.Gly295Glu (NM_001354705.2); short protein forms G384E, G295E.
Identifiers: ClinVar variation 2017016 (VCV002017016.4), dbSNP rs2540501436, ClinGen allele CA385503699.
Genomic context (GRCh38, chr12:57,570,020, plus strand): 5'-CTCTCACCTCGTCTTGCCCCTTTGCAGGAGAGAATGTGCCTGAGACAGAGCGCCTGGCTG[G>A]GGAGGAGGCAGCCCTGGGAGCCGAGCTCTGTGAGGAGACCCCTGTGAATGACAACTCATC-3'
Protein context (NP_004975.2, residues 374-394): ENVPETERLA[Gly384Glu]EEAALGAELC

ClinVar aggregate classification (germline): Uncertain significance (1 of 4 stars; one submission).

Conditions:
Spastic paraplegia. Identifiers: MedGen C0037772, HP:0001258.

Submission:

Labcorp Genetics (formerly Invitae), Labcorp
Classification: Uncertain significance for Spastic paraplegia. Last evaluated: 2022-07-14. Review status: criteria provided, single submitter. Criteria: Invitae Variant Classification Sherloc (09022015). Collection method: clinical testing. Allele origin: germline.
Comment: In summary, the available evidence is currently insufficient to determine the role of this variant in disease. Therefore, it has been classified as a Variant of Uncertain Significance. Advanced modeling of protein sequence and biophysical properties (such as structural, functional, and spatial information, amino acid conservation, physicochemical variation, residue mobility, and thermodynamic stability) performed at Invitae indicates that this missense variant is not expected to disrupt KIF5A protein function. This variant has not been reported in the literature in individuals affected with KIF5A-related conditions. This variant is not present in population databases (gnomAD no frequency). This sequence change replaces glycine, which is neutral and non-polar, with glutamic acid, which is acidic and polar, at codon 384 of the KIF5A protein (p.Gly384Glu).